The following is an entry in ClinVar:

NM_007294.4(BRCA1):c.5467+17T>C

Gene: BRCA1 (BRCA1 DNA repair associated; minus strand). Cytogenetic location: 17q21.31.
Variant type: single nucleotide variant.
Coding change: c.5467+17T>C on transcript NM_007294.4 (MANE Select); 17 bases into the intron after coding-DNA position 5467, T replaced by C.
Molecular consequence: intron variant.
Genome position (GRCh38, 1-based): chr17:43,047,626, A>G on the plus strand (T>C on the coding strand, the complement: BRCA1 is on the minus strand). VCF-style: chr17-43047626-A-G. GRCh37 (hg19) VCF-style: chr17-41199643-A-G.
Other names: c.2029+17T>C (NM_001408448.1, NM_001408445.1, NM_001408450.1 and 2 more transcripts); c.2038+17T>C (NM_001408421.1, NM_001408424.1, NM_001408422.1 and 1 more transcripts); c.2155+17T>C (NM_001407991.1, NM_001407984.1, NM_001407983.1 and 10 more transcripts); c.5461+17T>C (NM_001407631.1, NM_001407638.1, NM_001407628.1 and 13 more transcripts); c.2035+17T>C (NM_001408427.1, NM_001408431.1, NM_001408425.1 and 4 more transcripts); c.5344+17T>C (NM_001407668.1, NM_001407664.1, NM_001407666.1 and 3 more transcripts); c.5464+17T>C (NM_001407622.1, NM_001407611.1, NM_001407624.1 and 14 more transcripts); c.5467+17T>C (NM_001407602.1, NM_001407597.1, NM_001407605.1 and 5 more transcripts); and 83 more.
Identifiers: ClinVar variation 867551 (VCV000867551.6), dbSNP rs1267019068, ClinGen allele CA916080743.

ClinVar aggregate classification (germline): Likely benign. Review status: criteria provided, multiple submitters, no conflicts (2 of 4 stars). 2 submissions from 2 submitters: Likely benign (2). Last evaluated 2025-12-03.

Conditions:
Hereditary breast ovarian cancer syndrome. Also called: Hereditary breast and ovarian cancer; Hereditary breast and ovarian cancer syndrome (HBOC); Breast and ovarian cancer; Hereditary breast and/or ovarian cancer syndrome; BRCA1- and BRCA2-Associated Hereditary Breast and Ovarian Cancer; Hereditary breast and ovarian cancer syndrome. Identifiers: Orphanet 145, MedGen C0677776, MeSH D061325, MONDO:0003582. Disease mechanism: loss of function.

Allele frequency attached by ClinVar (database versions not stated): gnomAD exomes below 0.00001.
gnomAD v4.1: 1 of 1,614,178 alleles (0.000062%); highest among the groups gnomAD compares: Non-Finnish European, 0.000085%; no homozygotes.

Submissions (3):

Labcorp Genetics (formerly Invitae), Labcorp
Classification: Likely benign for Hereditary breast ovarian cancer syndrome. Last evaluated: 2025-12-03. Review status: criteria provided, single submitter. Criteria: Invitae Variant Classification Sherloc (09022015). Collection method: clinical testing. Allele origin: germline.

Women's Health and Genetics/Laboratory Corporation of America, LabCorp
Classification: Likely benign. Last evaluated: 2024-02-19. Review status: criteria provided, single submitter. Criteria: LabCorp Variant Classification Summary - May 2015. Collection method: clinical testing. Allele origin: germline.
Comment: Variant summary: BRCA1 c.5467+17T>C alters a nucleotide located at a position not widely known to affect splicing. Consensus agreement among computation tools predict no significant impact on normal splicing. At least one functional study reports experimental evidence evaluating an impact on splicing and showed no damaging effect of this variant on homology directed repair (HDR) activity (e.g. Findlay_2018). HDR assays qualify as a recognized gold standard on the basis of updated guidance provided by the ClinGen Sequence Variant Interpretation (SVI) working group. The variant was absent in 251480 control chromosomes. The available data on variant occurrences in the general population are insufficient to allow any conclusion about variant significance. To our knowledge, no occurrence of c.5467+17T>C in individuals affected with Hereditary Breast And Ovarian Cancer Syndrome has been reported. The following publication have been ascertained in the context of this evaluation (PMID: 30209399). ClinVar contains an entry for this variant (Variation ID: 867551). Based on the evidence outlined above, the variant was classified as likely benign.

Brotman Baty Institute, University of Washington
No classification provided (evidence only). Condition: Breast-ovarian cancer, familial 1. Review status: no classification provided. Collection method: in vitro. Allele origin: not applicable. Functional consequence: functionally_normal. Not counted in ClinVar's aggregate classification.
ClinVar note: "not provided" was previously submitted as the classification for the variant. However, the classification appeared to be based only on an observation of functional data so it was converted to no classification on 2025-07-30.

Literature cited by the submitters: PubMed 30209399 (cited by Women's Health and Genetics/Laboratory Corporation of America, LabCorp).